The following is an entry in ClinVar:

NM_001005242.3(PKP2):c.2168-11_2169del

Gene: PKP2 (plakophilin 2; minus strand). Cytogenetic location: 12p11.21.
Variant type: Deletion.
Coding change: c.2168-11_2169del on transcript NM_001005242.3 (MANE Select); 11 bases into the intron before coding-DNA position 2168 through coding-DNA position 2169, 13 bases deleted (TCATTTTGTAGCC).
Molecular consequence: splice acceptor variant. On other transcripts: intron variant (2).
Genome position (GRCh38, 1-based): chr12:32,796,297-32,796,309, GGCTACAAAATGA deleted on the plus strand (TCATTTTGTAGCC on the coding strand, the reverse complement: PKP2 is on the minus strand). VCF-style (leftmost placement, unchanged base first): chr12-32796296-TGGCTACAAAATGA-T. GRCh37 (hg19) VCF-style: chr12-32949230-TGGCTACAAAATGA-T.
Other names: c.2003-11_2004del (NM_001407156.1); c.2168-3578_2168-3566del (NM_001407155.1); c.2300-11_2301del (NM_004572.4); c.1841-3578_1841-3566del (NM_001407160.1); c.1841-11_1842del (NM_001407159.1, NM_001407158.1).
Identifiers: ClinVar variation 3027234 (VCV003027234.22), dbSNP rs2541190447, ClinGen allele CA2740092353.

ClinVar aggregate classification (germline): Pathogenic (1 of 4 stars; one submission).

Submission:

CeGaT Center for Human Genetics Tuebingen
Classification: Pathogenic. Last evaluated: 2024-02-01. Review status: criteria provided, single submitter. Criteria: CeGaT Center For Human Genetics Tuebingen Variant Classification Criteria Version 2. Collection method: clinical testing. Allele origin: germline. Affected: yes. Observed: 1 variant allele.
Comment: PKP2: PVS1, PM2